The following is an entry in ClinVar:

NM_033305.3(VPS13A):c.1966A>G (p.Ile656Val)

Gene: VPS13A (vacuolar protein sorting 13 homolog A; plus strand). Cytogenetic location: 9q21.2.
Variant type: single nucleotide variant.
Coding change: c.1966A>G on transcript NM_033305.3 (MANE Select); coding-DNA position 1966, A replaced by G.
Protein change: p.Ile656Val; replaces isoleucine 656 with valine.
Molecular consequence: missense variant.
Genome position (GRCh38, 1-based): chr9:77,247,324, A>G. VCF-style: chr9-77247324-A-G. GRCh37 (hg19) VCF-style: chr9-79862240-A-G.
Other names: c.1966A>G, p.Ile656Val (NM_001018037.2, NM_001018038.3, NM_015186.4); short protein forms I656V.
Identifiers: ClinVar variation 1913826 (VCV001913826.5), dbSNP rs1357486811, ClinGen allele CA373848971.

ClinVar aggregate classification (germline): Uncertain significance (1 of 4 stars; one submission).

Allele frequency attached by ClinVar (database versions not stated): gnomAD 0.00001; gnomAD exomes 0.00001; TOPMed 0.00001.
gnomAD v4.1: 10 of 1,611,600 alleles (0.00062%); highest among the groups gnomAD compares: African/African-American, 0.0013%; no homozygotes.

Submission:

Labcorp Genetics (formerly Invitae), Labcorp
Classification: Uncertain significance. Last evaluated: 2024-10-24. Review status: criteria provided, single submitter. Criteria: Invitae Variant Classification Sherloc (09022015). Collection method: clinical testing. Allele origin: germline.
Comment: This sequence change replaces isoleucine, which is neutral and non-polar, with valine, which is neutral and non-polar, at codon 656 of the VPS13A protein (p.Ile656Val). This variant is present in population databases (no rsID available, gnomAD 0.007%). This variant has not been reported in the literature in individuals affected with VPS13A-related conditions. ClinVar contains an entry for this variant (Variation ID: 1913826). Invitae Evidence Modeling of protein sequence and biophysical properties (such as structural, functional, and spatial information, amino acid conservation, physicochemical variation, residue mobility, and thermodynamic stability) indicates that this missense variant is expected to disrupt VPS13A protein function with a positive predictive value of 80%. In summary, the available evidence is currently insufficient to determine the role of this variant in disease. Therefore, it has been classified as a Variant of Uncertain Significance.